The following is an entry in ClinVar:

ClinVar aggregate classification (germline): Pathogenic. Review status: reviewed by expert panel (3 of 4 stars). 13 submissions from 13 submitters: Pathogenic (1). 12 of the submissions do not count toward it. Last evaluated 2017-03-17.

Conditions:
CFTR-related disorder (CFTR-RD). Also called: CFTR-related condition; CFTR-related disorders. Identifiers: MedGen C5924204, MONDO:7770004.
Bronchiectasis with or without elevated sweat chloride 1 (BESC1). Also called: Cystic Fibrosis-Like Syndrome. Identifiers: Orphanet 60033, MedGen C2749757, MONDO:0008887, OMIM 211400.
Congenital bilateral aplasia of vas deferens from CFTR mutation (CBAVD). Identifiers: Orphanet 48, MedGen C0403814, MONDO:0010178, OMIM 277180. Disease mechanism: loss of function.
Cystic fibrosis (CF). Also called: MUCOVISCIDOSIS. Identifiers: Orphanet 586, MedGen C0010674, MONDO:0009061, OMIM 219700. Disease mechanism: loss of function.
Hereditary pancreatitis (PCTT). Also called: PRSS1-Related Hereditary Pancreatitis; Hereditary chronic pancreatitis. Identifiers: Orphanet 676, MedGen C0238339, MONDO:0008185, OMIM 167800.

Allele frequency attached by ClinVar (database versions not stated): gnomAD exomes below 0.00001.
gnomAD v4.1: 1 of 1,612,238 alleles (0.000062%); no homozygotes.

Submissions (13):

CFTR2
Classification: Pathogenic for Cystic fibrosis. Last evaluated: 2017-03-17. Review status: reviewed by expert panel. Criteria: Sosnay PR et al. (Nat Genet 2013). Collection method: research. Allele origin: germline. Affected: yes. Study: CFTR2.

Natera, Inc.
Classification: Pathogenic for CFTR-related disorders. Last evaluated: 2024-03-22. Review status: criteria provided, single submitter. Criteria: Natera Variant Classification Schema (03/2026). Collection method: clinical testing. Allele origin: germline. Not counted in ClinVar's aggregate classification.
Comment: The c.2989-1G>A variant in CFTR is a canonical splice acceptor site variant predicted to affect pre-mRNA splicing, which may result in an abnormal transcript and altered protein product. This variant is expected to result in nonsense mediated decay, truncation, or a dysfunctional protein product. This variant is rare in the general population with a frequency below the threshold expected for the associated phenotype(s). This variant has been observed in one or more individuals affected with the associated recessive disease, as either homozygous or compound heterozygous with a second variant (PMID: 23687349, 28546993, 27086061). Functional studies show that this variant may disrupt protein function (PMID: 29750258). Given the available evidence, this variant is classified as Pathogenic.

Labcorp Genetics (formerly Invitae), Labcorp
Classification: Pathogenic for Cystic fibrosis. Last evaluated: 2024-01-24. Review status: criteria provided, single submitter. Criteria: Invitae Variant Classification Sherloc (09022015). Collection method: clinical testing. Allele origin: germline. Not counted in ClinVar's aggregate classification.
Comment: This sequence change affects an acceptor splice site in intron 18 of the CFTR gene. It is expected to disrupt RNA splicing. Variants that disrupt the donor or acceptor splice site typically lead to a loss of protein function (PMID: 16199547), and loss-of-function variants in CFTR are known to be pathogenic (PMID: 1695717, 7691345, 9725922). This variant is present in population databases (rs397508470, gnomAD 0.0009%). Disruption of this splice site has been observed in individuals with cystic fibrosis or congenital bilateral absence of the vas deferens (PMID: 9452048, 10875853, 17662673, 27086061, 28546993). This variant is also known as c.3121-1G>A. ClinVar contains an entry for this variant (Variation ID: 53613). Studies have shown that disruption of this splice site alters mRNA splicing and is expected to lead to the loss of protein expression (PMID: 23974870). For these reasons, this variant has been classified as Pathogenic.

Laboratory for Molecular Medicine, Mass General Brigham Personalized Medicine
Classification: Pathogenic for Cystic fibrosis. Last evaluated: 2022-11-03. Review status: criteria provided, single submitter. Criteria: ACMG Guidelines, 2015. Collection method: clinical testing. Allele origin: germline. Not counted in ClinVar's aggregate classification.
Comment: The c.2989-1G>A variant in CFTR (also know as c.3121-1G>A) has been reported in several individuals with cystic fibrosis or congenital bilateral absence of the vas deferens (selected references: Feldmann 1998 PMID: 9452048, Casals 2000 PMID: 10875853, Alibakhshi 2008 PMID:17662673, Gaitch 2016 PMID: 27086061, Behar 2017 PMID: 28546993). It was absent from large population studies. This variant was classified as Pathogenic on Mar 17 2017 by the ClinGen-approved CFTR2 expert panel (Variation ID 53613). This variant occurs within the canonical splice site (+/- 1,2) and is predicted to cause altered splicing leading to an abnormal or absent protein. Loss of function of the CFTR gene is an established disease mechanism in autosomal recessive cystic fibrosis. In vitro functional studies provide some evidence that this variant impacts mRNA splicing (Sosnay 2013 PMID: 23974870) . In summary, this variant meets criteria to be classified as pathogenic for autosomal recessive cystic fibrosis. ACMG/AMP Criteria applied: PM2_supporting, PM3_Very Strong, PS3_Supporting, PVS1.

Revvity Omics, Revvity
Classification: Pathogenic. Last evaluated: 2022-08-26. Review status: criteria provided, single submitter. Criteria: ACMG Guidelines, 2015. Collection method: clinical testing. Allele origin: germline. Not counted in ClinVar's aggregate classification.

Baylor Genetics
Classification: Pathogenic for Bronchiectasis with or without elevated sweat chloride 1. Last evaluated: 2022-08-17. Review status: criteria provided, single submitter. Criteria: ACMG Guidelines, 2015. Collection method: clinical testing. Allele origin: unknown. Not counted in ClinVar's aggregate classification.

Ambry Genetics
Classification: Pathogenic for Cystic fibrosis. Last evaluated: 2022-07-06. Review status: criteria provided, single submitter. Criteria: Ambry Variant Classification Scheme 2023. Collection method: clinical testing. Allele origin: germline. Not counted in ClinVar's aggregate classification.
Comment: The c.2989-1G>A intronic pathogenic mutation results from a G to A substitution one nucleotide upstream from coding exon 19 of the CFTR gene. This mutation has been reported in multiple cystic fibrosis patients with a second mutation confirmed in trans and is associated with elevated sweat chloride levels and pancreatic insufficiency (Sosnay PR et al. Nat. Genet., 2013 Oct;45:1160-7). In addition to the clinical data presented in the literature, alterations that disrupt the canonical splice site are expected to cause aberrant splicing, resulting in an abnormal protein or a transcript that is subject to nonsense-mediated mRNA decay. As such, this alteration is classified as a disease-causing mutation.

Fulgent Genetics
Classification: Pathogenic for Hereditary pancreatitis; Bronchiectasis with or without elevated sweat chloride 1; Cystic fibrosis; Congenital bilateral aplasia of vas deferens from CFTR mutation. Last evaluated: 2021-07-19. Review status: criteria provided, single submitter. Criteria: ACMG Guidelines, 2015. Collection method: clinical testing. Allele origin: unknown. Not counted in ClinVar's aggregate classification.

Genomic Research Center, Shahid Beheshti University of Medical Sciences
Classification: Pathogenic for Cystic fibrosis. Last evaluated: 2020-05-03. Review status: criteria provided, single submitter. Criteria: ACMG Guidelines, 2015. Collection method: clinical testing. Allele origin: unknown. Affected: yes. Not counted in ClinVar's aggregate classification.

Mendelics
Classification: Pathogenic for Cystic fibrosis. Last evaluated: 2018-11-05. Review status: criteria provided, single submitter. Criteria: Mendelics Assertion Criteria 2017. Collection method: clinical testing. Allele origin: unknown. Affected: yes. Not counted in ClinVar's aggregate classification.

CFTR-France
Classification: Pathogenic for cystic fibrosis. Last evaluated: 2018-01-29. Review status: criteria provided, single submitter. Criteria: Claustres M et al. (Hum Mutat 2017). Collection method: curation. Allele origin: germline. Affected: yes. Not counted in ClinVar's aggregate classification.

Women's Health and Genetics/Laboratory Corporation of America, LabCorp
Classification: Pathogenic. Last evaluated: 2017-12-26. Review status: criteria provided, single submitter. Criteria: LabCorp Variant Classification Summary - May 2015. Collection method: clinical testing. Allele origin: germline. Not counted in ClinVar's aggregate classification.
Comment: Variant summary: The CFTR c.2989-1G>A variant involves the alteration of a conserved intronic nucleotide. One in silico tool predicts a damaging outcome for this variant. 5/5 splice prediction tools predict a significant impact on normal splicing. However, these predictions have yet to be confirmed by functional studies. This variant was found in 1/245874 control chromosomes (gnomAD) at a frequency of 0.0000041, which does not exceed the estimated maximal expected allele frequency of a pathogenic CFTR variant (0.0129603). This variant was found in multiple CF patients (Sosnay_2013, Behar_2017, Alibakhshi_2008). In addition, multiple clinical diagnostic laboratories/reputable databases classified this variant as pathogenic/likely pathogenic. Taken together, this variant is classified as pathogenic.

Counsyl
Classification: Likely pathogenic for Cystic fibrosis. Last evaluated: 2014-06-06. Review status: no assertion criteria provided. Collection method: literature only. Allele origin: unknown. Inheritance: Autosomal recessive inheritance. Not counted in ClinVar's aggregate classification.

Literature cited by the submitters: PubMed 23687349 (cited by Natera, Inc.); PubMed 28546993 (cited by Natera, Inc. and Labcorp Genetics (formerly Invitae), Labcorp); PubMed 27086061 (cited by Natera, Inc. and Labcorp Genetics (formerly Invitae), Labcorp); PubMed 29750258 (cited by Natera, Inc.); PubMed 16199547 (cited by Labcorp Genetics (formerly Invitae), Labcorp); PubMed 1695717 (cited by Labcorp Genetics (formerly Invitae), Labcorp); PubMed 7691345 (cited by Labcorp Genetics (formerly Invitae), Labcorp); PubMed 9725922 (cited by Labcorp Genetics (formerly Invitae), Labcorp); PubMed 9452048 (cited by Labcorp Genetics (formerly Invitae), Labcorp and Ambry Genetics); PubMed 10875853 (cited by Labcorp Genetics (formerly Invitae), Labcorp and Counsyl); PubMed 17662673 (cited by 3 submitters); PubMed 23974870 (cited by 4 submitters); PubMed 21514289 (cited by Ambry Genetics and Counsyl); PubMed 20932506 (cited by Counsyl); PubMed 19265749 (cited by Counsyl); PubMed 17331079 (cited by Counsyl).

NM_000492.4(CFTR):c.2989-1G>A

Genes: CFTR (CF transmembrane conductance regulator; plus strand), CFTR-AS2 (CFTR antisense RNA 2; minus strand), LOC111674472 (DNase I hypersensitive sites in introns 16 and 17a of CFTR; plus strand). Cytogenetic location: 7q31.2.
Variant type: single nucleotide variant.
Coding change: c.2989-1G>A on transcript NM_000492.4 (MANE Select); the canonical splice acceptor site of the intron before coding-DNA position 2989, G replaced by A.
Molecular consequence: splice acceptor variant.
Genome position (GRCh38, 1-based): chr7:117,610,518, G>A. VCF-style: chr7-117610518-G-A. GRCh37 (hg19) VCF-style: chr7-117250572-G-A.
Other names: 3121-1G->A.
Identifiers: ClinVar variation 53613 (VCV000053613.26), dbSNP rs397508470, ClinGen allele CA345319.